The following is an entry in ClinVar:

ClinVar aggregate classification (germline): Uncertain significance (0 of 4 stars; one submission).

Conditions:
CMIP-related disorder. Also called: CMIP-related condition.

Submission:

PreventionGenetics, part of Exact Sciences
Classification: Uncertain significance for CMIP-related condition. Last evaluated: 2024-05-17. Review status: no assertion criteria provided. Collection method: clinical testing. Allele origin: germline.
Comment: The CMIP c.1483G>A variant is predicted to result in the amino acid substitution p.Glu495Lys. To our knowledge, this variant has not been reported in the literature or in a large population database, indicating this variant is rare. Although we suspect that this variant may be pathogenic, at this time, the clinical significance of this variant is uncertain due to the absence of conclusive functional and genetic evidence.

NM_198390.3(CMIP):c.1483G>A (p.Glu495Lys)

Gene: CMIP (c-Maf inducing protein; plus strand). Cytogenetic location: 16q23.3.
Variant type: single nucleotide variant.
Coding change: c.1483G>A on transcript NM_198390.3 (MANE Select); coding-DNA position 1483, G replaced by A.
Protein change: p.Glu495Lys; replaces glutamic acid 495 with lysine.
Molecular consequence: missense variant.
Genome position (GRCh38, 1-based): chr16:81,693,440, G>A. VCF-style: chr16-81693440-G-A. GRCh37 (hg19) VCF-style: chr16-81727045-G-A.
Other names: c.1201G>A, p.Glu401Lys (NM_030629.3); short protein forms E401K, E495K.
Identifiers: ClinVar variation 3358037 (VCV003358037.1).
Genomic context (GRCh38, chr16:81,693,440, plus strand): 5'-CACACCTCCCACTCAGTTCCAGACCCCGGCAGTAACTCCGGCCGCCTCGTCTCTTCCAGG[G>A]AACTGAAGTACGTGATTCAGAGGTTCGCCGAAGACCCCAGGCAAGAGGTGAGGCCTTTGT-3'
Protein context (NP_938204.2, residues 485-505): EALAHEKFTK[Glu495Lys]LKYVIQRFAE